The following is an entry in ClinVar:

ClinVar aggregate classification (germline): Uncertain significance (1 of 4 stars; one submission).

Submission:

Women's Health and Genetics/Laboratory Corporation of America, LabCorp
Classification: Uncertain significance. Last evaluated: 2024-06-21. Review status: criteria provided, single submitter. Criteria: LabCorp Variant Classification Summary - May 2015. Collection method: clinical testing. Allele origin: germline.
Comment: Variant summary: NPHS2 c.799G>T (p.Asp267Tyr) results in a non-conservative amino acid change located in the Band 7 domain (IPR001107) of the encoded protein sequence. Five of five in-silico tools predict a damaging effect of the variant on protein function. The variant was absent in 250464 control chromosomes. The available data on variant occurrences in the general population are insufficient to allow any conclusion about variant significance. c.799G>T has been reported in the literature in at least one compound heterozygous individual affected with Nephrotic Syndrome, Type 2 (e.g., Lu_2022). These data do not allow any conclusion about variant significance. To our knowledge, no experimental evidence demonstrating an impact on protein function has been reported. The following publication has been ascertained in the context of this evaluation (PMID: 35064937). No submitters have cited clinical-significance assessments for this variant to ClinVar. Based on the evidence outlined above, the variant was classified as uncertain significance.

Literature cited by the submitters: PubMed 35064937.

NM_014625.4(NPHS2):c.799G>T (p.Asp267Tyr)

Genes: AXDND1 (axonemal dynein light chain domain containing 1; plus strand), NPHS2 (NPHS2 stomatin family member, podocin; minus strand). Cytogenetic location: 1q25.2.
Variant type: single nucleotide variant.
Coding change: c.799G>T on transcript NM_014625.4 (MANE Select); coding-DNA position 799, G replaced by T.
Protein change: p.Asp267Tyr; replaces aspartic acid 267 with tyrosine.
Molecular consequence: missense variant. On other transcripts: intron variant (1).
Genome position (GRCh38, 1-based): chr1:179,552,677, C>A on the plus strand (G>T on the coding strand, the complement: NPHS2 is on the minus strand). VCF-style: chr1-179552677-C-A. GRCh37 (hg19) VCF-style: chr1-179521812-C-A.
Other names: c.595G>T, p.Asp199Tyr (NM_001297575.2); c.3032-1835C>A (NM_144696.6); short protein forms D199Y, D267Y.
Identifiers: ClinVar variation 3339868 (VCV003339868.1).
Genomic context (GRCh38, chr1:179,552,677, plus strand): 5'-GTCTTTGCGCTTCAGCCTCCACAGCCAGTGAGTGCTGAAGCCCAGCTGGCAACCTCACAT[C>A]TTTACTGAAAAAGAAAGAATGCAGGTATGTAGGTGTGCAGCCATGATTTAGGGGCCAAAG-3'
Protein context (NP_055440.1, residues 257-277): GIKVERIEIK[Asp267Tyr]VRLPAGLQHS